The following is an entry in ClinVar:

NM_004370.6(COL12A1):c.3467A>T (p.Asn1156Ile)

Gene: COL12A1 (collagen type XII alpha 1 chain; minus strand). Cytogenetic location: 6q13.
Variant type: single nucleotide variant.
Coding change: c.3467A>T on transcript NM_004370.6 (MANE Select); coding-DNA position 3467, A replaced by T.
Protein change: p.Asn1156Ile; replaces asparagine 1156 with isoleucine.
Molecular consequence: missense variant. On other transcripts: intron variant (1).
Genome position (GRCh38, 1-based): chr6:75,154,514, T>A on the plus strand (A>T on the coding strand, the complement: COL12A1 is on the minus strand). VCF-style: chr6-75154514-T-A. GRCh37 (hg19) VCF-style: chr6-75864230-T-A.
Other names: c.74-2032A>T (NM_080645.3); short protein forms N1156I.
Identifiers: ClinVar variation 566907 (VCV000566907.9), dbSNP rs759294983, ClinGen allele CA364751424.

ClinVar aggregate classification (germline): Uncertain significance (1 of 4 stars; one submission).

Conditions:
Ullrich congenital muscular dystrophy 2 (UCMD2). Identifiers: Orphanet 75840, MedGen C4225314, MONDO:0014654, OMIM 616470.
Bethlem myopathy 2 (BTHLM2). Identifiers: Orphanet 536516, Orphanet 610, MedGen C4225313, MONDO:0034022, OMIM 616471.

Submission:

Labcorp Genetics (formerly Invitae), Labcorp
Classification: Uncertain significance for Bethlem myopathy 2; Ullrich congenital muscular dystrophy 2. Last evaluated: 2018-02-12. Review status: criteria provided, single submitter. Criteria: Invitae Variant Classification Sherloc (09022015). Collection method: clinical testing. Allele origin: germline.
Comment: In summary, the available evidence is currently insufficient to determine the role of this variant in disease. Therefore, it has been classified as a Variant of Uncertain Significance. Algorithms developed to predict the effect of missense changes on protein structure and function do not agree on the potential impact of this missense change (SIFT: "Deleterious"; PolyPhen-2: "Possibly Damaging"; Align-GVGD: "Class C0"). This variant has not been reported in the literature in individuals with COL12A1-related disease. This variant is not present in population databases (ExAC no frequency). This sequence change replaces asparagine with isoleucine at codon 1156 of the COL12A1 protein (p.Asn1156Ile). The asparagine residue is moderately conserved and there is a large physicochemical difference between asparagine and isoleucine.